The following is an entry in ClinVar:

ClinVar aggregate classification (germline): Uncertain significance. Review status: criteria provided, multiple submitters, no conflicts (2 of 4 stars). 2 submissions from 2 submitters: Uncertain significance (2). Last evaluated 2021-07-28.

Conditions:
Ehlers-Danlos syndrome, dermatosparaxis type. Also called: Dermatosparaxis; Ehlers-Danlos syndrome, type VII, autosomal recessive; EDS VIIC. Identifiers: Orphanet 1901, MedGen C2700425, MONDO:0009161, OMIM 225410.

Allele frequency attached by ClinVar (database versions not stated): TOPMed below 0.00001; gnomAD 0.00007; 1000 Genomes Project 30x 0.00016; 1000 Genomes Project 0.00020; gnomAD exomes 0.00021; ExAC 0.00070.
gnomAD v4.1: 161 of 1,551,150 alleles (0.01%); highest among the groups gnomAD compares: South Asian, 0.18%; 2 homozygotes.

Submissions (2):

Fulgent Genetics
Classification: Uncertain significance for Ehlers-Danlos syndrome, dermatosparaxis type. Last evaluated: 2021-07-28. Review status: criteria provided, single submitter. Criteria: ACMG Guidelines, 2015. Collection method: clinical testing. Allele origin: unknown.

GeneDx
Classification: Uncertain significance. Last evaluated: 2020-10-21. Review status: criteria provided, single submitter. Criteria: GeneDx Variant Classification Process June 2021. Collection method: clinical testing. Allele origin: germline. Affected: yes.
Comment: In silico analysis supports that this missense variant has a deleterious effect on protein structure/function; Has not been previously published as pathogenic or benign to our knowledge

NM_014244.5(ADAMTS2):c.3079C>T (p.Pro1027Ser)

Gene: ADAMTS2 (ADAM metallopeptidase with thrombospondin type 1 motif 2; minus strand). Cytogenetic location: 5q35.3.
Variant type: single nucleotide variant.
Coding change: c.3079C>T on transcript NM_014244.5 (MANE Select); coding-DNA position 3079, C replaced by T.
Protein change: p.Pro1027Ser; replaces proline 1027 with serine.
Molecular consequence: missense variant.
Genome position (GRCh38, 1-based): chr5:179,122,653, G>A on the plus strand (C>T on the coding strand, the complement: ADAMTS2 is on the minus strand). VCF-style: chr5-179122653-G-A. GRCh37 (hg19) VCF-style: chr5-178549654-G-A.
Other names: short protein forms P1027S.
Identifiers: ClinVar variation 1313597 (VCV001313597.3), dbSNP rs546990509, ClinGen allele CA3595315.
Genomic context (GRCh38, chr5:179,122,653, plus strand): 5'-CCCTGGGCTGCTGCATGCTGGGAGCAGGGGCAGGGGCTGCAGGTGGCTTACGGGGACAGG[G>A]GCCAAGCCTGCAGGTCCTCGCTGTCTCAGGACGCTCCTCCTGGCAGATGCCGAAGCTGTC-3'
Protein context (NP_055059.2, residues 1017-1037): PETARTCRLG[Pro1027Ser]CPRNISDPSK